The following is an entry in ClinVar:

NM_000488.4(SERPINC1):c.284A>G (p.Tyr95Cys)

Gene: SERPINC1 (serpin family C member 1; minus strand). Cytogenetic location: 1q25.1.
Variant type: single nucleotide variant.
Coding change: c.284A>G on transcript NM_000488.4 (MANE Select); coding-DNA position 284, A replaced by G.
Protein change: p.Tyr95Cys; replaces tyrosine 95 with cysteine.
Molecular consequence: missense variant.
Genome position (GRCh38, 1-based): chr1:173,914,677, T>C on the plus strand (A>G on the coding strand, the complement: SERPINC1 is on the minus strand). VCF-style: chr1-173914677-T-C. GRCh37 (hg19) VCF-style: chr1-173883815-T-C.
Other names: NM_001386306.1:c.284A>G; c.140A>G, p.Tyr47Cys (NM_001365052.2); c.284A>G, p.Tyr95Cys (NM_001386302.1, NM_001386304.1, NM_001386305.1 and 1 more transcripts); c.365A>G, p.Tyr122Cys (NM_001386303.1); short protein forms Y122C, Y47C, Y95C.
Identifiers: ClinVar variation 4686611 (VCV004686611.2).
Genomic context (GRCh38, chr1:173,914,677, plus strand): 5'-ATACTCAGGGGTGACAGGAAAATGTTATCATTGTCATTCTTGGAATCTGCCAGGTGCTGA[T>C]AGAAAGTGGTAGCAAAGCGGGAATTGGCCTTGGACAGTTCCCAGACACGCCGGTTGGTGG-3'
Protein context (NP_000479.1, residues 85-105): KANSRFATTF[Tyr95Cys]QHLADSKNDN

ClinVar aggregate classification (germline): Likely pathogenic (3 of 4 stars; one submission).

Conditions:
Hereditary antithrombin deficiency (AT3D). Also called: Reduced antithrombin III activity; Antithrombin III deficiency; Thrombophilia due to antithrombin III deficiency; Antithrombin deficiency. Identifiers: Orphanet 82, MedGen C0272375, MONDO:0013144, OMIM 613118, HP:0001976.

gnomAD v4.1: 1 of 1,614,084 alleles (0.000062%); highest among the groups gnomAD compares: African/African-American, 0.0013%; no homozygotes.

Submission:

Clingen Thrombosis Variant Curation Expert Panel, ClinGen
Classification: Likely pathogenic for Hereditary antithrombin deficiency. Last evaluated: 2025-09-19. Review status: reviewed by expert panel. Criteria: ClinGen ACMG Specifications SERPINC1 V1.0.0. Collection method: curation. Allele origin: germline. Inheritance: Autosomal dominant inheritance.
Comment: The c.284A>G (NM_000488.4) variant in SERPINC1 is a missense variant predicted to cause substitution of tyrosine by histidine at the highly conserved amino acid residue 95 (p.Tyr95Cys), encompassing an alpha helix structure. The variant is absent from gnomAD v4.1.0 in a region with good coverage profile across both genomes and exomes (PM2_supporting). The computational predictor REVEL gives a score of 0.924, which is above the threshold of 0.6, which correlates with a deleterious impact to SERPINC1 function (PP3). In addition, the variant has been reported in at least two other probands meeting an antithrombin activity level of < 0.8 IU/mL (PS4_moderate; PMID: 29040284 and internal VCEP lab contributor). A different missense change (c.283T>C, p.Tyr95His) at this residue has been reported in the literature and classified as LP, as specified by the ClinGen Thrombosis VCEP (PM5_supporting). In summary, this variant meets the criteria to be classified as uncertain significance for autosomal dominant antithrombin deficiency based on the ACMG/AMP criteria applied, as specified by the ClinGen Thrombosis VCEP (PM2_supporting, PP3, PS4_moderate, PP4, PM5_supporting).